The following is an entry in ClinVar:

NM_001368882.1(COL13A1):c.1739T>A (p.Leu580Gln)

Gene: COL13A1 (collagen type XIII alpha 1 chain; plus strand). Cytogenetic location: 10q22.1.
Variant type: single nucleotide variant.
Coding change: c.1739T>A on transcript NM_001368882.1 (MANE Select); coding-DNA position 1739, T replaced by A.
Protein change: p.Leu580Gln; replaces leucine 580 with glutamine.
Molecular consequence: missense variant. On other transcripts: intron variant (6).
Genome position (GRCh38, 1-based): chr10:69,935,360, T>A. VCF-style: chr10-69935360-T-A. GRCh37 (hg19) VCF-style: chr10-71695116-T-A.
Other names: c.1706T>A, p.Leu569Gln (NM_001130103.2); c.1631T>A, p.Leu544Gln (NM_001320951.2); c.1031T>A, p.Leu344Gln (NM_001368886.1); c.1535T>A, p.Leu512Gln (NM_001368898.1); c.1490T>A, p.Leu497Gln (NM_080798.4); c.1649T>A, p.Leu550Gln (NM_080800.4); c.1640T>A, p.Leu547Gln (NM_080801.4); c.1595T>A, p.Leu532Gln (NM_080802.4); and 8 more; short protein forms L344Q, L503Q, L512Q, L497Q, L547Q, L580Q, L532Q, L569Q.
Identifiers: ClinVar variation 1983992 (VCV001983992.3), dbSNP rs372291215, ClinGen allele CA5534902.

ClinVar aggregate classification (germline): Uncertain significance. Review status: criteria provided, multiple submitters, no conflicts (2 of 4 stars). 2 submissions from 2 submitters: Uncertain significance (2). Last evaluated 2024-10-09.

Conditions:
Inborn genetic diseases. Identifiers: MedGen C0950123, MeSH D030342.

Allele frequency attached by ClinVar (database versions not stated): gnomAD 0.00001; TOPMed 0.00002; ExAC 0.00004; ESP Exome Variant Server 0.00008.
gnomAD v4.1: 38 of 1,579,804 alleles (0.0024%); highest among the groups gnomAD compares: Non-Finnish European, 0.0015%; no homozygotes.

Submissions (2):

Ambry Genetics
Classification: Uncertain significance for Inborn genetic diseases. Last evaluated: 2024-10-09. Review status: criteria provided, single submitter. Criteria: Ambry Variant Classification Scheme 2023. Collection method: clinical testing. Allele origin: germline.

Labcorp Genetics (formerly Invitae), Labcorp
Classification: Uncertain significance. Last evaluated: 2022-04-23. Review status: criteria provided, single submitter. Criteria: Invitae Variant Classification Sherloc (09022015). Collection method: clinical testing. Allele origin: germline.
Comment: This sequence change replaces leucine, which is neutral and non-polar, with glutamine, which is neutral and polar, at codon 569 of the COL13A1 protein (p.Leu569Gln). This variant is present in population databases (rs372291215, gnomAD 0.04%). This variant has not been reported in the literature in individuals affected with COL13A1-related conditions. Algorithms developed to predict the effect of missense changes on protein structure and function (SIFT, PolyPhen-2, Align-GVGD) all suggest that this variant is likely to be tolerated. In summary, the available evidence is currently insufficient to determine the role of this variant in disease. Therefore, it has been classified as a Variant of Uncertain Significance.